The following is an entry in ClinVar:

ClinVar aggregate classification (germline): Uncertain significance (1 of 4 stars; one submission).

Conditions:
X-linked myopathy with postural muscle atrophy. Also called: FHL1-Related Emery-Dreifuss Muscular Dystrophy, X-Linked. Identifiers: Orphanet 178461, MedGen C2678055, MONDO:0010401, OMIM 300696.

Allele frequency attached by ClinVar (database versions not stated): gnomAD exomes below 0.00001.
gnomAD v4.1: 1 of 1,212,316 alleles (0.000082%); highest among the groups gnomAD compares: Admixed American, 0.0022%; no homozygotes.

Submission:

Labcorp Genetics (formerly Invitae), Labcorp
Classification: Uncertain significance for X-linked myopathy with postural muscle atrophy. Last evaluated: 2025-05-06. Review status: criteria provided, single submitter. Criteria: Invitae Variant Classification Sherloc (09022015). Collection method: clinical testing. Allele origin: germline.
Comment: This sequence change falls in intron 5 of the FHL1 gene. It does not directly change the encoded amino acid sequence of the FHL1 protein. It affects a nucleotide within the consensus splice site. This variant is not present in population databases (gnomAD no frequency). This variant has not been reported in the literature in individuals affected with FHL1-related conditions. ClinVar contains an entry for this variant (Variation ID: 2158482). Variants that disrupt the consensus splice site are a relatively common cause of aberrant splicing (PMID: 17576681, 9536098). Algorithms developed to predict the effect of sequence changes on RNA splicing suggest that this variant is not likely to affect RNA splicing. In summary, the available evidence is currently insufficient to determine the role of this variant in disease. Therefore, it has been classified as a Variant of Uncertain Significance.

Literature cited by the submitters: PubMed 17576681; PubMed 9536098.

NM_001159699.2(FHL1):c.549+3A>G

Gene: FHL1 (four and a half LIM domains 1; plus strand). Cytogenetic location: Xq26.3.
Variant type: single nucleotide variant.
Coding change: c.549+3A>G on transcript NM_001159699.2 (MANE Select); 3 bases into the intron after coding-DNA position 549, A replaced by G.
Molecular consequence: intron variant.
Genome position (GRCh38, 1-based): chrX:136,207,964, A>G. VCF-style: chrX-136207964-A-G. GRCh37 (hg19) VCF-style: chrX-135290123-A-G.
Other names: c.501+3A>G (NM_001159702.3, NM_001449.5, NM_001159703.2 and 9 more transcripts); c.588+3A>G (NM_001159701.2); c.549+3A>G (NM_001330659.2).
Identifiers: ClinVar variation 2158482 (VCV002158482.4), dbSNP rs2521288583, ClinGen allele CA2580101575.